The following is an entry in ClinVar:

ClinVar aggregate classification (germline): Uncertain significance (1 of 4 stars; one submission).

gnomAD v4.1: 1 of 1,011,499 alleles (0.000099%); highest among the groups gnomAD compares: Middle Eastern, 0.036%; no homozygotes.

Submission:

Labcorp Genetics (formerly Invitae), Labcorp
Classification: Uncertain significance. Last evaluated: 2025-12-08. Review status: criteria provided, single submitter. Criteria: Invitae Variant Classification Sherloc (09022015). Collection method: clinical testing. Allele origin: germline.
Comment: This sequence change replaces proline, which is neutral and non-polar, with alanine, which is neutral and non-polar, at codon 32 of the NYX protein (p.Pro32Ala). The frequency data for this variant in the population databases is considered unreliable, as metrics indicate insufficient coverage at this position in the gnomAD database. This variant has not been reported in the literature in individuals affected with NYX-related conditions. Invitae Evidence Modeling of protein sequence and biophysical properties (such as structural, functional, and spatial information, amino acid conservation, physicochemical variation, residue mobility, and thermodynamic stability) indicates that this missense variant is not expected to disrupt NYX protein function with a negative predictive value of 80%. In summary, the available evidence is currently insufficient to determine the role of this variant in disease. Therefore, it has been classified as a Variant of Uncertain Significance.

NM_001378477.3(NYX):c.79C>G (p.Pro27Ala)

Gene: NYX (nyctalopin; plus strand). Cytogenetic location: Xp11.4.
Variant type: single nucleotide variant.
Coding change: c.79C>G on transcript NM_001378477.3 (MANE Select); coding-DNA position 79, C replaced by G.
Protein change: p.Pro27Ala; replaces proline 27 with alanine.
Molecular consequence: missense variant.
Genome position (GRCh38, 1-based): chrX:41,473,547, C>G. VCF-style: chrX-41473547-C-G. GRCh37 (hg19) VCF-style: chrX-41332800-C-G.
Other names: c.79C>G, p.Pro27Ala (NM_022567.3); short protein forms P27A.
Identifiers: ClinVar variation 4740272 (VCV004740272.1).
Genomic context (GRCh38, chrX:41,473,547, plus strand): 5'-GCAGCGGTGGTCCTCGGCCTGCCCAGCGCCTGGGCCGTGGGGGCCTGCGCCCGCGCTTGT[C>G]CCGCCGCCTGCGCCTGCAGCACCGTGGAGCGCGGCTGCTCGGTGCGCTGCGACCGCGCGG-3'
Protein context (NP_001365406.2, residues 17-37): WAVGACARAC[Pro27Ala]AACACSTVER